The following is an entry in ClinVar:

NM_007294.4(BRCA1):c.1061A>G (p.Asn354Ser)

Gene: BRCA1 (BRCA1 DNA repair associated; minus strand). Cytogenetic location: 17q21.31.
Variant type: single nucleotide variant.
Coding change: c.1061A>G on transcript NM_007294.4 (MANE Select); coding-DNA position 1061, A replaced by G.
Protein change: p.Asn354Ser; replaces asparagine 354 with serine.
Molecular consequence: missense variant. On other transcripts: intron variant (137).
Genome position (GRCh38, 1-based): chr17:43,094,470, T>C on the plus strand (A>G on the coding strand, the complement: BRCA1 is on the minus strand). VCF-style: chr17-43094470-T-C. GRCh37 (hg19) VCF-style: chr17-41246487-T-C.
Other names: c.938A>G, p.Asn313Ser (NM_001407667.1, NM_001407668.1, NM_001407669.1 and 19 more transcripts); c.935A>G, p.Asn312Ser (NM_001407670.1, NM_001407673.1, NM_001407671.1 and 11 more transcripts); c.1061A>G, p.Asn354Ser (NM_001407603.1, NM_001407605.1, NM_001407616.1 and 30 more transcripts); c.1058A>G, p.Asn353Ser (NM_001407610.1, NM_001407611.1, NM_001407612.1 and 22 more transcripts); c.1052A>G, p.Asn351Ser (NM_001407646.1, NM_001407647.1); c.983A>G, p.Asn328Ser (NM_001407653.1, NM_001407654.1, NM_001407655.1 and 4 more transcripts); c.980A>G, p.Asn327Ser (NM_001407659.1, NM_001407660.1, NM_001407661.1 and 1 more transcripts); c.920A>G, p.Asn307Ser (NM_001407692.1, NM_001407694.1, NM_001407695.1 and 29 more transcripts); and 40 more; short protein forms N354S, N307S, N186S, N226S, N243S, N313S, N353S, N227S.
Identifiers: ClinVar variation 570311 (VCV000570311.12), dbSNP rs1555592577, ClinGen allele CA10599936.

ClinVar aggregate classification (germline): Conflicting classifications of pathogenicity. Review status: criteria provided, conflicting classifications (1 of 4 stars). 2 submissions from 2 submitters: Uncertain significance (1); Likely benign (1). Last evaluated 2024-12-29.

Conditions:
Hereditary cancer-predisposing syndrome. Also called: Hereditary neoplastic syndrome; Tumor predisposition; Neoplastic Syndromes, Hereditary; Hereditary Cancer Syndrome. Identifiers: Orphanet 140162, MedGen C0027672, MeSH D009386, MONDO:0015356.
Hereditary breast ovarian cancer syndrome. Also called: Hereditary breast and ovarian cancer syndrome; Breast and ovarian cancer; Hereditary breast and ovarian cancer; Hereditary breast and/or ovarian cancer syndrome; Hereditary breast and ovarian cancer syndrome (HBOC); BRCA1- and BRCA2-Associated Hereditary Breast and Ovarian Cancer. Identifiers: Orphanet 145, MedGen C0677776, MeSH D061325, MONDO:0003582. Disease mechanism: loss of function.

Submissions (2):

Labcorp Genetics (formerly Invitae), Labcorp
Classification: Uncertain significance for Hereditary breast ovarian cancer syndrome. Last evaluated: 2024-12-29. Review status: criteria provided, single submitter. Criteria: Invitae Variant Classification Sherloc (09022015). Collection method: clinical testing. Allele origin: germline.
Comment: This sequence change replaces asparagine, which is neutral and polar, with serine, which is neutral and polar, at codon 354 of the BRCA1 protein (p.Asn354Ser). This variant is not present in population databases (gnomAD no frequency). This variant has not been reported in the literature in individuals affected with BRCA1-related conditions. ClinVar contains an entry for this variant (Variation ID: 570311). Invitae Evidence Modeling of protein sequence and biophysical properties (such as structural, functional, and spatial information, amino acid conservation, physicochemical variation, residue mobility, and thermodynamic stability) indicates that this missense variant is not expected to disrupt BRCA1 protein function with a negative predictive value of 80%. In summary, the available evidence is currently insufficient to determine the role of this variant in disease. Therefore, it has been classified as a Variant of Uncertain Significance.

University of Washington Department of Laboratory Medicine, University of Washington
Classification: Likely benign for Hereditary cancer-predisposing syndrome. Last evaluated: 2023-03-23. Review status: criteria provided, single submitter. Criteria: Dines et al. (Genet Med. 2020). Collection method: curation. Allele origin: germline.
Comment: Missense variant in a coldspot region where missense variants are very unlikely to be pathogenic (PMID:31911673).

BRCA1 coldspot (exon 11 using historical exon numbering). Reclassification based on statistical prior probability